The following is an entry in ClinVar:

NM_001122630.2(CDKN1C):c.481C>G (p.Pro161Ala)

Gene: CDKN1C (cyclin dependent kinase inhibitor 1C; minus strand). Cytogenetic location: 11p15.4.
Variant type: single nucleotide variant.
Coding change: c.481C>G on transcript NM_001122630.2 (MANE Select); coding-DNA position 481, C replaced by G.
Protein change: p.Pro161Ala; replaces proline 161 with alanine.
Molecular consequence: missense variant. On other transcripts: intron variant (1).
Genome position (GRCh38, 1-based): chr11:2,884,976, G>C on the plus strand (C>G on the coding strand, the complement: CDKN1C is on the minus strand). VCF-style: chr11-2884976-G-C. GRCh37 (hg19) VCF-style: chr11-2906206-G-C.
Other names: c.514C>G, p.Pro172Ala (NM_000076.2, NM_001362474.2); c.481C>G, p.Pro161Ala (NM_001122631.2); c.255+226C>G (NM_001362475.2); short protein forms P161A, P172A.
Identifiers: ClinVar variation 1004814 (VCV001004814.7), dbSNP rs1342240264, ClinGen allele CA379146552.

ClinVar aggregate classification (germline): Uncertain significance. Review status: criteria provided, multiple submitters, no conflicts (2 of 4 stars). 2 submissions from 2 submitters: Uncertain significance (2). Last evaluated 2025-10-28.

Conditions:
Inborn genetic diseases. Identifiers: MedGen C0950123, MeSH D030342.
Beckwith-Wiedemann syndrome (BWS). Also called: Exomphalos macroglossia gigantism syndrome; EMG SYNDROME. Identifiers: Orphanet 116, MedGen C0004903, MONDO:0007534, OMIM 130650.

Allele frequency attached by ClinVar (database versions not stated): TOPMed below 0.00001; gnomAD 0.00001 and 0.00002; gnomAD exomes 0.00403.

Submissions (2):

Ambry Genetics
Classification: Uncertain significance for Inborn genetic diseases. Last evaluated: 2025-10-28. Review status: criteria provided, single submitter. Criteria: Ambry Variant Classification Scheme 2023. Collection method: clinical testing. Allele origin: germline.
Comment: The c.514C>G (p.P172A) alteration is located in exon 1 (coding exon 1) of the CDKN1C gene. This alteration results from a C to G substitution at nucleotide position 514, causing the proline (P) at amino acid position 172 to be replaced by an alanine (A). Based on data from gnomAD, the G allele has an overall frequency of 0.403% (1/248) total alleles studied. The highest observed frequency was 0.431% (1/232) of European (non-Finnish) alleles. Based on insufficient or conflicting evidence, the clinical significance of this alteration remains unclear.

Labcorp Genetics (formerly Invitae), Labcorp
Classification: Uncertain significance for Beckwith-Wiedemann syndrome. Last evaluated: 2023-10-05. Review status: criteria provided, single submitter. Criteria: Invitae Variant Classification Sherloc (09022015). Collection method: clinical testing. Allele origin: germline.
Comment: This sequence change replaces proline, which is neutral and non-polar, with alanine, which is neutral and non-polar, at codon 172 of the CDKN1C protein (p.Pro172Ala). This variant is present in population databases (no rsID available, gnomAD 0.4%). This variant has not been reported in the literature in individuals affected with CDKN1C-related conditions. ClinVar contains an entry for this variant (Variation ID: 1004814). Advanced modeling of protein sequence and biophysical properties (such as structural, functional, and spatial information, amino acid conservation, physicochemical variation, residue mobility, and thermodynamic stability) performed at Invitae indicates that this missense variant is not expected to disrupt CDKN1C protein function. In summary, the available evidence is currently insufficient to determine the role of this variant in disease. Therefore, it has been classified as a Variant of Uncertain Significance.